The following is an entry in ClinVar:

ClinVar aggregate classification (germline): Uncertain significance (1 of 4 stars; one submission).

Conditions:
Autosomal recessive limb-girdle muscular dystrophy type 2E (LGMDR4). Also called: MUSCULAR DYSTROPHY, LIMB-GIRDLE, AUTOSOMAL RECESSIVE 4. Identifiers: Orphanet 119, MedGen C1858593, MONDO:0011423, OMIM 604286. Disease mechanism: Affects gamma-sarcoglycan and also disrupts the integrity of the entire sarcoglycan complex..

Allele frequency attached by ClinVar (database versions not stated): gnomAD exomes below 0.00001; TOPMed below 0.00001.
gnomAD v4.1: 1 of 1,611,816 alleles (0.000062%); highest among the groups gnomAD compares: South Asian, 0.0011%; no homozygotes.

Submission:

Labcorp Genetics (formerly Invitae), Labcorp
Classification: Uncertain significance for Autosomal recessive limb-girdle muscular dystrophy type 2E. Last evaluated: 2022-07-06. Review status: criteria provided, single submitter. Criteria: Invitae Variant Classification Sherloc (09022015). Collection method: clinical testing. Allele origin: germline.
Comment: In summary, the available evidence is currently insufficient to determine the role of this variant in disease. Therefore, it has been classified as a Variant of Uncertain Significance. Algorithms developed to predict the effect of missense changes on protein structure and function are either unavailable or do not agree on the potential impact of this missense change (SIFT: "Tolerated"; PolyPhen-2: "Possibly Damaging"; Align-GVGD: "Class C0"). This variant has not been reported in the literature in individuals affected with SGCB-related conditions. This variant is present in population databases (no rsID available, gnomAD 0.003%). This sequence change replaces isoleucine, which is neutral and non-polar, with methionine, which is neutral and non-polar, at codon 144 of the SGCB protein (p.Ile144Met).

NM_000232.5(SGCB):c.432T>G (p.Ile144Met)

Gene: SGCB (sarcoglycan beta; minus strand). Cytogenetic location: 4q12.
Variant type: single nucleotide variant.
Coding change: c.432T>G on transcript NM_000232.5 (MANE Select); coding-DNA position 432, T replaced by G.
Protein change: p.Ile144Met; replaces isoleucine 144 with methionine.
Molecular consequence: missense variant.
Genome position (GRCh38, 1-based): chr4:52,028,919, A>C on the plus strand (T>G on the coding strand, the complement: SGCB is on the minus strand). VCF-style: chr4-52028919-A-C. GRCh37 (hg19) VCF-style: chr4-52895085-A-C.
Other names: short protein forms I144M.
Identifiers: ClinVar variation 2178288 (VCV002178288.4), dbSNP rs1351172739, ClinGen allele CA356877103.
Genomic context (GRCh38, chr4:52,028,919, plus strand): 5'-ACTTGTAATAGAAGTTTTGTTGTTTTCTACACTGAGCTTTGTTGTCCCTTGCTGAAAAAC[A>C]ATCTTCAAAAAAAACAGTTTATTGTGAATATATTTTCAAAGAAGACTGCAAACAAAATTC-3'
Protein context (NP_000223.1, residues 134-154): NLVITGNNQP[Ile144Met]VFQQGTTKLS